The following is an entry in ClinVar:

ClinVar aggregate classification (germline): Uncertain significance (1 of 4 stars; one submission).

Conditions:
Hereditary cancer-predisposing syndrome. Also called: Neoplastic Syndromes, Hereditary; Tumor predisposition; Hereditary neoplastic syndrome; Hereditary Cancer Syndrome. Identifiers: Orphanet 140162, MedGen C0027672, MeSH D009386, MONDO:0015356.

Submission:

Ambry Genetics
Classification: Uncertain significance for Hereditary cancer-predisposing syndrome. Last evaluated: 2026-08-02. Review status: criteria provided, single submitter. Criteria: Ambry Variant Classification Scheme 2023. Collection method: clinical testing. Allele origin: germline.
Comment: The p.F433V variant (also known as c.1297T>G), located in coding exon 9 of the BMPR1A gene, results from a T to G substitution at nucleotide position 1297. The phenylalanine at codon 433 is replaced by valine, an amino acid with highly similar properties. This amino acid position is conserved. In addition, this alteration is predicted to be deleterious by in silico analysis. Based on the available evidence, the clinical significance of this variant remains unclear.

NM_004329.3(BMPR1A):c.1297T>G (p.Phe433Val)

Gene: BMPR1A (bone morphogenetic protein receptor type 1A; plus strand). Cytogenetic location: 10q23.2.
Variant type: single nucleotide variant.
Coding change: c.1297T>G on transcript NM_004329.3 (MANE Select); coding-DNA position 1297, T replaced by G.
Protein change: p.Phe433Val; replaces phenylalanine 433 with valine.
Molecular consequence: missense variant. On other transcripts: non-coding transcript variant (3).
Genome position (GRCh38, 1-based): chr10:86,921,650, T>G. VCF-style: chr10-86921650-T-G. GRCh37 (hg19) VCF-style: chr10-88681407-T-G.
Other names: c.1297T>G, p.Phe433Val (NM_001406581.1, NM_001406582.1, NM_001406561.1 and 19 more transcripts); c.1291T>G, p.Phe431Val (NM_001406583.1); c.1213T>G, p.Phe405Val (NM_001406584.1, NM_001406585.1, NM_001406586.1 and 2 more transcripts); c.955T>G, p.Phe319Val (NM_001406589.1); c.1372T>G, p.Phe458Val (NM_001406559.1); c.1345T>G, p.Phe449Val (NM_001406560.1); short protein forms F405V, F458V, F433V, F319V, F431V, F449V.
Identifiers: ClinVar variation 5032943 (VCV005032943.1).
Genomic context (GRCh38, chr10:86,921,650, plus strand): 5'-CTGGACGAAAGCCTGAACAAAAACCACTTCCAGCCCTACATCATGGCTGACATCTACAGC[T>G]TCGGCCTAATCATTTGGGAGATGGCTCGTCGTTGTATCACAGGAGGTGGGAGTTTGAGTA-3'
Protein context (NP_004320.2, residues 423-443): QPYIMADIYS[Phe433Val]GLIIWEMARR